The following is an entry in ClinVar:

NM_000535.7(PMS2):c.830C>T (p.Thr277Met)

Gene: PMS2 (PMS1 homolog 2, mismatch repair system component; minus strand). Cytogenetic location: 7p22.1.
Variant type: single nucleotide variant.
Coding change: c.830C>T on transcript NM_000535.7 (MANE Select); coding-DNA position 830, C replaced by T.
Protein change: p.Thr277Met; replaces threonine 277 with methionine.
Molecular consequence: missense variant. On other transcripts: 5 prime UTR variant (2), non-coding transcript variant (1).
Genome position (GRCh38, 1-based): chr7:5,995,607, G>A on the plus strand (C>T on the coding strand, the complement: PMS2 is on the minus strand). VCF-style: chr7-5995607-G-A. GRCh37 (hg19) VCF-style: chr7-6035238-G-A.
Other names: c.425C>T, p.Thr142Met (NM_001322003.2, NM_001322004.2, NM_001322005.2 and 2 more transcripts); c.830C>T, p.Thr277Met (NM_001322006.2, NM_001322014.2); c.512C>T, p.Thr171Met (NM_001322007.2, NM_001322008.2); c.-104C>T (NM_001322011.2, NM_001322012.2); c.257C>T, p.Thr86Met (NM_001322013.2); c.521C>T, p.Thr174Met (NM_001322015.2); short protein forms T277M, T174M, T86M, T142M, T171M.
Identifiers: ClinVar variation 484262 (VCV000484262.26), dbSNP rs1805322, ClinGen allele CA051942.

ClinVar aggregate classification (germline): Conflicting classifications of pathogenicity. Review status: criteria provided, conflicting classifications (1 of 4 stars). 7 submissions from 7 submitters: Uncertain significance (6); Likely benign (1). Last evaluated 2025-10-06.

Conditions:
Lynch syndrome. Identifiers: Orphanet 144, MedGen C4552100, MONDO:0005835. Disease mechanism: loss of function.
Hereditary cancer-predisposing syndrome. Also called: Neoplastic Syndromes, Hereditary; Tumor predisposition; Hereditary Cancer Syndrome; Hereditary neoplastic syndrome. Identifiers: Orphanet 140162, MedGen C0027672, MeSH D009386, MONDO:0015356.
Hereditary nonpolyposis colorectal neoplasms. Identifiers: MedGen C0009405, MeSH D003123.

Allele frequency attached by ClinVar (database versions not stated): TOPMed 0.00002; 1000 Genomes Project 30x 0.00016.

Submissions (7):

Labcorp Genetics (formerly Invitae), Labcorp
Classification: Likely benign for Hereditary nonpolyposis colorectal neoplasms. Last evaluated: 2025-10-06. Review status: criteria provided, single submitter. Criteria: Invitae Variant Classification Sherloc (09022015). Collection method: clinical testing. Allele origin: germline.

Quest Diagnostics Nichols Institute San Juan Capistrano
Classification: Uncertain significance. Last evaluated: 2025-04-24. Review status: criteria provided, single submitter. Criteria: Quest Diagnostics criteria. Collection method: clinical testing. Allele origin: unknown.
Comment: The PMS2 c.830C>T (p.Thr277Met) variant has not been reported in individuals with PMS2-related conditions in the published literature. The variant is located in a region that is considered important for protein function and/or structure (PMID: 11897781 (2002)). The frequency of this variant in the general population (Genome Aggregation Database) is uninformative in the assessment of its pathogenicity. Analysis of this variant using bioinformatics tools for the prediction of the effect of amino acid changes on protein structure and function yielded predictions that this variant is benign. Based on the available information, we are unable to determine the clinical significance of this variant.

All of Us Research Program, National Institutes of Health
Classification: Uncertain significance for Lynch syndrome. Last evaluated: 2024-09-23. Review status: criteria provided, single submitter. Criteria: ACMG Guidelines, 2015. Collection method: clinical testing. Allele origin: germline. Inheritance: Autosomal dominant inheritance. Observed: 3 variant alleles, 3 heterozygotes.
Comment: This missense variant replaces threonine with methionine at codon 277 of the PMS2 protein. Computational prediction suggests that this variant may not impact protein structure and function (internally defined REVEL score threshold <= 0.5, PMID: 27666373). Splice site prediction tools suggest that this variant may not impact RNA splicing. To our knowledge, functional studies have not been performed for this variant. This variant has not been reported in individuals affected with hereditary cancer in the literature. This variant has been identified in 9/282828 chromosomes in the general population by the Genome Aggregation Database (gnomAD). The available evidence is insufficient to determine the role of this variant in disease conclusively. Therefore, this variant is classified as a Variant of Uncertain Significance.

This study involves interpretation of variants in research participants for the purpose of population health screening. Participant phenotype was not available at the time of variant classification. Additional details can be found in publication PMID: 35346344, PMCID: PMC8962531

Ambry Genetics
Classification: Uncertain significance for Hereditary cancer-predisposing syndrome. Last evaluated: 2024-04-03. Review status: criteria provided, single submitter. Criteria: Ambry Variant Classification Scheme 2023. Collection method: clinical testing. Allele origin: germline.
Comment: The p.T277M variant (also known as c.830C>T), located in coding exon 8 of the PMS2 gene, results from a C to T substitution at nucleotide position 830. The threonine at codon 277 is replaced by methionine, an amino acid with similar properties. This amino acid position is poorly conserved in available vertebrate species. In addition, the in silico prediction for this alteration is inconclusive. Based on the available evidence, the clinical significance of this variant remains unclear.

Color Diagnostics, LLC DBA Color Health
Classification: Uncertain significance for Hereditary cancer-predisposing syndrome. Last evaluated: 2024-02-21. Review status: criteria provided, single submitter. Criteria: ACMG Guidelines, 2015. Collection method: clinical testing. Allele origin: germline.
Comment: This missense variant replaces threonine with methionine at codon 277 of the PMS2 protein. Computational prediction suggests that this variant may not impact protein structure and function (internally defined REVEL score threshold <= 0.5, PMID: 27666373). To our knowledge, functional studies have not been reported for this variant. This variant has not been reported in individuals affected with PMS2-related disorders in the literature. This variant has been identified in 9/282828 chromosomes in the general population by the Genome Aggregation Database (gnomAD). The available evidence is insufficient to determine the role of this variant in disease conclusively. Therefore, this variant is classified as a Variant of Uncertain Significance.

Women's Health and Genetics/Laboratory Corporation of America, LabCorp
Classification: Uncertain significance. Last evaluated: 2020-07-08. Review status: criteria provided, single submitter. Criteria: LabCorp Variant Classification Summary - May 2015. Collection method: clinical testing. Allele origin: germline.
Comment: Variant summary: PMS2 c.830C>T (p.Thr277Met) results in a non-conservative amino acid change located in the N-terminal (IPR002099) domain and S5 domain 2-like (IPR013507) domain of the encoded protein sequence. Four of five in-silico tools predict a benign effect of the variant on protein function. The variant allele was found at a frequency of 2.8e-05 in 251422 control chromosomes (gnomAD). The available data on variant occurrences in the general population are insufficient to allow any conclusion about variant significance. To our knowledge, no occurrence of c.830C>T in individuals affected with Hereditary Nonpolyposis Colorectal Cancer and no experimental evidence demonstrating its impact on protein function have been reported. Three ClinVar submitters (evaluation after 2014) cite the variant as uncertain significance. Based on the evidence outlined above, the variant was classified as uncertain significance.

GeneDx
Classification: Uncertain significance. Last evaluated: 2019-09-18. Review status: criteria provided, single submitter. Criteria: GeneDx Variant Classification Process June 2021. Collection method: clinical testing. Allele origin: germline. Affected: yes.
Comment: In silico analysis, which includes protein predictors and evolutionary conservation, supports that this variant does not alter protein structure/function; Has not been previously published as pathogenic or benign to our knowledge